The following is an entry in ClinVar:

ClinVar aggregate classification (germline): Pathogenic (1 of 4 stars; one submission).

Conditions:
Familial thoracic aortic aneurysm and aortic dissection (TAAD). Also called: Thoracic aortic aneurysms and dissections. Identifiers: Orphanet 91387, MedGen C4707243, MONDO:0019625.
Marfan syndrome (MFS). Also called: FBN1-Related Marfan Syndrome; Marfan's syndrome; MARFAN SYNDROME, TYPE I; Marfan syndrome type 1; Marfan syndrome, classic. Identifiers: Orphanet 284963, Orphanet 558, MedGen C0024796, MONDO:0007947, OMIM 154700.

Submission:

Labcorp Genetics (formerly Invitae), Labcorp
Classification: Pathogenic for Marfan syndrome; Familial thoracic aortic aneurysm and aortic dissection. Last evaluated: 2019-03-08. Review status: criteria provided, single submitter. Criteria: Invitae Variant Classification Sherloc (09022015). Collection method: clinical testing. Allele origin: germline.
Comment: For these reasons, this variant has been classified as Pathogenic. Loss-of-function variants in FBN1 are known to be pathogenic (PMID: 17657824, 19293843). This variant has not been reported in the literature in individuals with FBN1-related conditions. This variant is not present in population databases (ExAC no frequency). This sequence change creates a premature translational stop signal (p.Glu1471*) in the FBN1 gene. It is expected to result in an absent or disrupted protein product.

Literature cited by the submitters: PubMed 17657824; PubMed 19293843.

NM_000138.5(FBN1):c.4410dup (p.Glu1471Ter)

Gene: FBN1 (fibrillin 1; minus strand). Cytogenetic location: 15q21.1.
Variant type: Duplication.
Coding change: c.4410dup on transcript NM_000138.5 (MANE Select); coding-DNA position 4410, one base duplicated (T; older notation c.4410dupT).
Protein change: p.Glu1471Ter; replaces glutamic acid 1471 with a stop codon.
Molecular consequence: nonsense.
Genome position (GRCh38, 1-based): chr15:48,470,683, A duplicated on the plus strand (T on the coding strand, the reverse complement: FBN1 is on the minus strand). VCF-style (leftmost placement, unchanged base first): chr15-48470682-C-CA. GRCh37 (hg19) VCF-style: chr15-48762879-C-CA.
Other names: short protein forms E1471*.
Identifiers: ClinVar variation 844338 (VCV000844338.7), dbSNP rs2043365502, ClinGen allele CA916082394.